The following is an entry in ClinVar:

ClinVar aggregate classification (germline): Uncertain significance (1 of 4 stars; one submission).

Conditions:
Inflammatory bowel disease 25. Also called: Inflammatory bowel disease 25, early onset, autosomal recessive. Identifiers: Orphanet 238569, MedGen C2675508, MONDO:0012941, OMIM 612567.

Allele frequency attached by ClinVar (database versions not stated): ExAC 0.00003; gnomAD exomes 0.00003; gnomAD 0.00006 and 0.00007; ESP Exome Variant Server 0.00008; TOPMed 0.00013; 1000 Genomes Project 0.00020; 1000 Genomes Project 30x 0.00031.

Submission:

Labcorp Genetics (formerly Invitae), Labcorp
Classification: Uncertain significance for Inflammatory bowel disease 25. Last evaluated: 2022-06-03. Review status: criteria provided, single submitter. Criteria: Invitae Variant Classification Sherloc (09022015). Collection method: clinical testing. Allele origin: germline.
Comment: This sequence change replaces arginine, which is basic and polar, with glutamine, which is neutral and polar, at codon 192 of the IL10RB protein (p.Arg192Gln). This variant is present in population databases (rs147402422, gnomAD 0.01%). This variant has not been reported in the literature in individuals affected with IL10RB-related conditions. ClinVar contains an entry for this variant (Variation ID: 861811). Algorithms developed to predict the effect of missense changes on protein structure and function (SIFT, PolyPhen-2, Align-GVGD) all suggest that this variant is likely to be tolerated. In summary, the available evidence is currently insufficient to determine the role of this variant in disease. Therefore, it has been classified as a Variant of Uncertain Significance.

NM_000628.5(IL10RB):c.575G>A (p.Arg192Gln)

Genes: IFNAR2-IL10RB (IFNAR2-IL10RB readthrough; plus strand), IL10RB (interleukin 10 receptor subunit beta; plus strand). Cytogenetic location: 21q22.11.
Variant type: single nucleotide variant.
Coding change: c.575G>A on transcript NM_000628.5 (MANE Select); coding-DNA position 575, G replaced by A.
Protein change: p.Arg192Gln; replaces arginine 192 with glutamine.
Molecular consequence: missense variant.
Genome position (GRCh38, 1-based): chr21:33,283,170, G>A. VCF-style: chr21-33283170-G-A. GRCh37 (hg19) VCF-style: chr21-34655475-G-A.
Other names: short protein forms R192Q.
Identifiers: ClinVar variation 861811 (VCV000861811.5), dbSNP rs147402422, ClinGen allele CA10006167.